The following is an entry in ClinVar:

ClinVar aggregate classification (germline): Benign (1 of 4 stars; one submission).

Allele frequency attached by ClinVar (database versions not stated): 1000 Genomes Project 30x 0.66068; 1000 Genomes Project 0.66454; TOPMed 0.69618; gnomAD 0.70342 and 0.70674.

Submission:

GeneDx
Classification: Benign. Last evaluated: 2018-06-18. Review status: criteria provided, single submitter. Criteria: GeneDx Variant Classification (06012015). Collection method: clinical testing. Allele origin: germline. Affected: yes.
Comment: This variant is considered likely benign or benign based on one or more of the following criteria: it is a conservative change, it occurs at a poorly conserved position in the protein, it is predicted to be benign by multiple in silico algorithms, and/or has population frequency not consistent with disease.

NM_144573.4(NEXN):c.864+290C>T

Gene: NEXN (nexilin F-actin binding protein; plus strand). Cytogenetic location: 1p31.1.
Variant type: single nucleotide variant.
Coding change: c.864+290C>T on transcript NM_144573.4 (MANE Select); 290 bases into the intron after coding-DNA position 864, C replaced by T.
Molecular consequence: intron variant.
Genome position (GRCh38, 1-based): chr1:77,927,182, C>T. VCF-style: chr1-77927182-C-T. GRCh37 (hg19) VCF-style: chr1-78392867-C-T.
Other names: c.672+290C>T (NM_001172309.2).
Identifiers: ClinVar variation 683664 (VCV000683664.1), dbSNP rs1166699, ClinGen allele CA10730150.